The following is an entry in ClinVar:

NM_000046.5(ARSB):c.1159C>T (p.Pro387Ser)

Gene: ARSB (arylsulfatase B; minus strand). Cytogenetic location: 5q14.1.
Variant type: single nucleotide variant.
Coding change: c.1159C>T on transcript NM_000046.5 (MANE Select); coding-DNA position 1159, C replaced by T.
Protein change: p.Pro387Ser; replaces proline 387 with serine.
Molecular consequence: missense variant.
Genome position (GRCh38, 1-based): chr5:78,839,410, G>A on the plus strand (C>T on the coding strand, the complement: ARSB is on the minus strand). VCF-style: chr5-78839410-G-A. GRCh37 (hg19) VCF-style: chr5-78135233-G-A.
Other names: c.1159C>T, p.Pro387Ser (NM_198709.3); c.1159C>T (NM_000046.3); short protein forms P387S.
Identifiers: ClinVar variation 497436 (VCV000497436.7), dbSNP rs145553034, ClinGen allele CA3318092.

ClinVar aggregate classification (germline): Uncertain significance. Review status: criteria provided, multiple submitters, no conflicts (2 of 4 stars). 3 submissions from 3 submitters: Uncertain significance (3). Last evaluated 2024-11-06.

Conditions:
Inborn genetic diseases. Identifiers: MedGen C0950123, MeSH D030342.
Mucopolysaccharidosis type 6 (MPS6). Also called: ARSB DEFICIENCY; ARYLSULFATASE B DEFICIENCY; N-ACETYLGALACTOSAMINE-4-SULFATASE DEFICIENCY; MPS 6; Maroteaux Lamy syndrome; MPS VI. Identifiers: Orphanet 583, MedGen C0026709, MONDO:0009661, OMIM 253200.

Allele frequency attached by ClinVar (database versions not stated): gnomAD exomes 0.00002 and 0.00001; ExAC 0.00004; ESP Exome Variant Server 0.00008; gnomAD 0.00015 and 0.00016; TOPMed 0.00016.
gnomAD v4.1: 40 of 1,613,618 alleles (0.0025%); highest among the groups gnomAD compares: African/African-American, 0.049%; no homozygotes.

Submissions (3):

Ambry Genetics
Classification: Uncertain significance for Inborn genetic diseases. Last evaluated: 2024-11-06. Review status: criteria provided, single submitter. Criteria: Ambry Variant Classification Scheme 2023. Collection method: clinical testing. Allele origin: germline.

Labcorp Genetics (formerly Invitae), Labcorp
Classification: Uncertain significance for Mucopolysaccharidosis type 6. Last evaluated: 2022-07-01. Review status: criteria provided, single submitter. Criteria: Invitae Variant Classification Sherloc (09022015). Collection method: clinical testing. Allele origin: germline.
Comment: This sequence change replaces proline, which is neutral and non-polar, with serine, which is neutral and polar, at codon 387 of the ARSB protein (p.Pro387Ser). This variant is present in population databases (rs145553034, gnomAD 0.04%). This variant has not been reported in the literature in individuals affected with ARSB-related conditions. ClinVar contains an entry for this variant (Variation ID: 497436). Advanced modeling of protein sequence and biophysical properties (such as structural, functional, and spatial information, amino acid conservation, physicochemical variation, residue mobility, and thermodynamic stability) performed at Invitae indicates that this missense variant is expected to disrupt ARSB protein function. In summary, the available evidence is currently insufficient to determine the role of this variant in disease. Therefore, it has been classified as a Variant of Uncertain Significance.

Eurofins Ntd Llc (ga)
Classification: Uncertain significance. Last evaluated: 2016-11-18. Review status: criteria provided, single submitter. Criteria: EGL Classification Definitions 2015. Collection method: clinical testing. Allele origin: germline. Observed: 1 variant allele, 1 heterozygote.